The following is an entry in ClinVar:

ClinVar aggregate classification (germline): Conflicting classifications of pathogenicity. Review status: criteria provided, conflicting classifications (1 of 4 stars). 8 submissions from 8 submitters: Uncertain significance (1); Benign (2); Likely benign (4). 1 of the submissions does not count toward it. Last evaluated 2026-01-28.

Conditions:
Hereditary cancer-predisposing syndrome. Also called: Tumor predisposition; Neoplastic Syndromes, Hereditary; Hereditary Cancer Syndrome; Hereditary neoplastic syndrome. Identifiers: Orphanet 140162, MedGen C0027672, MeSH D009386, MONDO:0015356.
Gorlin syndrome. Also called: Nevoid Basal Cell Carcinoma Syndrome; Basal cell nevus syndrome. Identifiers: Orphanet 377, MedGen C0004779, MONDO:0007187.
PTCH1-related disorder. Also called: PTCH1-related disorders; PTCH1-related condition.

Allele frequency attached by ClinVar (database versions not stated): ExAC 0.00029; 1000 Genomes Project 30x 0.00047; 1000 Genomes Project 0.00060; ESP Exome Variant Server 0.00069; gnomAD 0.00079 and 0.00088; TOPMed 0.00090; gnomAD exomes 0.00027.
gnomAD v4.1: 326 of 1,614,224 alleles (0.02%); highest among the groups gnomAD compares: African/African-American, 0.23%; no homozygotes.

Submissions (8):

Labcorp Genetics (formerly Invitae), Labcorp
Classification: Benign for Gorlin syndrome. Last evaluated: 2026-01-28. Review status: criteria provided, single submitter. Criteria: Invitae Variant Classification Sherloc (09022015). Collection method: clinical testing. Allele origin: germline.

Center for Genomic Medicine, Rigshospitalet, Copenhagen University Hospital
Classification: Uncertain significance. Last evaluated: 2025-12-29. Review status: criteria provided, single submitter. Criteria: ACMG Guidelines, 2015. Collection method: clinical testing. Allele origin: germline.

Women's Health and Genetics/Laboratory Corporation of America, LabCorp
Classification: Likely benign. Last evaluated: 2025-10-31. Review status: criteria provided, single submitter. Criteria: LabCorp Variant Classification Summary - May 2015. Collection method: clinical testing. Allele origin: germline.

CeGaT Center for Human Genetics Tuebingen
Classification: Likely benign. Last evaluated: 2025-01-01. Review status: criteria provided, single submitter. Criteria: CeGaT Center For Human Genetics Tuebingen Variant Classification Criteria Version 2. Collection method: clinical testing. Allele origin: germline. Affected: yes. Observed: 1 variant allele.
Comment: PTCH1: BS1

Quest Diagnostics Nichols Institute San Juan Capistrano
Classification: Benign. Last evaluated: 2022-12-06. Review status: criteria provided, single submitter. Criteria: Quest Diagnostics criteria. Collection method: clinical testing. Allele origin: unknown.

GeneDx
Classification: Likely benign. Last evaluated: 2020-08-04. Review status: criteria provided, single submitter. Criteria: GeneDx Variant Classification Process June 2021. Collection method: clinical testing. Allele origin: germline. Affected: yes.
Comment: In silico analysis supports that this missense variant has a deleterious effect on protein structure/function; Missense variant in a gene in which most reported pathogenic variants are truncating/loss-of-function; Has not been previously published as pathogenic or benign to our knowledge

Ambry Genetics
Classification: Likely benign for Hereditary cancer-predisposing syndrome. Last evaluated: 2018-11-28. Review status: criteria provided, single submitter. Criteria: Ambry Variant Classification Scheme 2023. Collection method: clinical testing. Allele origin: germline.

PreventionGenetics, part of Exact Sciences
Classification: Likely benign for PTCH1-related condition. Last evaluated: 2019-11-14. Review status: no assertion criteria provided. Collection method: clinical testing. Allele origin: germline. Not counted in ClinVar's aggregate classification.
Comment: This variant is classified as likely benign based on ACMG/AMP sequence variant interpretation guidelines (Richards et al. 2015 PMID: 25741868, with internal and published modifications).

NM_000264.5(PTCH1):c.2680G>A (p.Asp894Asn)

Gene: PTCH1 (patched 1; minus strand). Cytogenetic location: 9q22.32.
Variant type: single nucleotide variant.
Coding change: c.2680G>A on transcript NM_000264.5 (MANE Select); coding-DNA position 2680, G replaced by A.
Protein change: p.Asp894Asn; replaces aspartic acid 894 with asparagine.
Molecular consequence: missense variant. On other transcripts: non-coding transcript variant (1).
Genome position (GRCh38, 1-based): chr9:95,461,879, C>T on the plus strand (G>A on the coding strand, the complement: PTCH1 is on the minus strand). VCF-style: chr9-95461879-C-T. GRCh37 (hg19) VCF-style: chr9-98224161-C-T.
Other names: c.2482G>A, p.Asp828Asn (NM_001083602.3); c.2677G>A, p.Asp893Asn (NM_001083603.3); c.2227G>A, p.Asp743Asn (NM_001083604.3, NM_001083605.3, NM_001083606.3 and 1 more transcripts); c.2524G>A, p.Asp842Asn (NM_001354918.2); c.2680G>A (NM_000264.4); short protein forms D828N, D894N, D893N, D743N, D842N.
Identifiers: ClinVar variation 183067 (VCV000183067.35), dbSNP rs56173896, ClinGen allele CA333778.